The following is an entry in ClinVar:

ClinVar aggregate classification (germline): Uncertain significance. Review status: criteria provided, multiple submitters, no conflicts (2 of 4 stars). 3 submissions from 3 submitters: Uncertain significance (3). Last evaluated 2025-03-20.

Conditions:
Cardiovascular phenotype. Identifiers: MedGen CN230736.

Allele frequency attached by ClinVar (database versions not stated): 1000 Genomes Project 0.00120; 1000 Genomes Project 30x 0.00125; gnomAD 0.00002 and 0.00006; gnomAD exomes 0.00003 and 0.00005; TOPMed 0.00004; ExAC 0.00006.
gnomAD v4.1: 49 of 1,609,458 alleles (0.003%); highest among the groups gnomAD compares: Admixed American, 0.038%; no homozygotes.

Submissions (4):

Ambry Genetics
Classification: Uncertain significance for Cardiovascular phenotype. Last evaluated: 2025-03-20. Review status: criteria provided, single submitter. Criteria: Ambry Variant Classification Scheme 2023. Collection method: clinical testing. Allele origin: germline.
Comment: The p.T3250M variant (also known as c.9749C>T), located in coding exon 27 of the TNXB gene, results from a C to T substitution at nucleotide position 9749. The threonine at codon 3250 is replaced by methionine, an amino acid with similar properties. This variant has been reported in a cohort of subjects with congenital anomalies of the kidney and urinary tract (Ahn YH et al. J Clin Med, 2020 Mar;9:). This amino acid position is well conserved in available vertebrate species. In addition, this alteration is predicted to be tolerated by in silico analysis. Based on the available evidence, the clinical significance of this variant remains unclear.

GeneDx
Classification: Uncertain significance. Last evaluated: 2019-11-27. Review status: criteria provided, single submitter. Criteria: GeneDx Variant Classification Process June 2021. Collection method: clinical testing. Allele origin: germline. Affected: yes.
Comment: Has not been previously published as pathogenic or benign to our knowledge; In silico analysis, which includes protein predictors and evolutionary conservation, supports a deleterious effect; This variant is associated with the following publications: (PMID: 32164334)

Breakthrough Genomics
Classification: Uncertain significance. Review status: criteria provided, single submitter. Criteria: ACMG Guidelines, 2015. Collection method: not provided. Allele origin: germline. Inheritance: Autosomal recessive inheritance. Affected: yes.

Dr. Peter K. Rogan Lab, Western University
No classification provided (evidence only). Condition: Sarcoma. Review status: no classification provided. Collection method: in vitro. Allele origin: not applicable. Functional consequence: retained intron. Not counted in ClinVar's aggregate classification.

Literature cited by the submitters: PubMed 32164334 (cited by Ambry Genetics).

NM_001365276.2(TNXB):c.9755C>T (p.Thr3252Met)

Gene: TNXB (tenascin XB; minus strand). Cytogenetic location: 6p21.33.
Variant type: single nucleotide variant.
Coding change: c.9755C>T on transcript NM_001365276.2 (MANE Select); coding-DNA position 9755, C replaced by T.
Protein change: p.Thr3252Met; replaces threonine 3252 with methionine.
Molecular consequence: missense variant.
Genome position (GRCh38, 1-based): chr6:32,049,272, G>A on the plus strand (C>T on the coding strand, the complement: TNXB is on the minus strand). VCF-style: chr6-32049272-G-A. GRCh37 (hg19) VCF-style: chr6-32017049-G-A.
Other names: NC_000006.11:g.32017049G>A; c.9749C>T, p.Thr3250Met (NM_019105.8); short protein forms T3250M, T3252M.
Identifiers: ClinVar variation 1310593 (VCV001310593.5), dbSNP rs200942848, ClinGen allele CA3733422.